The following is an entry in ClinVar:

ClinVar aggregate classification (germline): Pathogenic (3 of 4 stars; one submission).

Conditions:
Breast-ovarian cancer, familial, susceptibility to, 1 (BROVCA1). Also called: BRCA1 Hereditary Breast and Ovarian Cancer; OVARIAN CANCER, SUSCEPTIBILITY TO. Identifiers: Orphanet 145, MedGen C2676676, MONDO:0011450, OMIM 604370. Disease mechanism: loss of function.

Submission:

Evidence-based Network for the Interpretation of Germline Mutant Alleles (ENIGMA)
Classification: Pathogenic for Breast-ovarian cancer, familial, susceptibility to, 1. Last evaluated: 2016-10-18. Review status: reviewed by expert panel. Criteria: ENIGMA BRCA1/2 Classification Criteria (2015). Collection method: curation. Allele origin: germline.
Comment: Variant allele predicted to encode a truncated non-functional protein.

NM_007294.4(BRCA1):c.1505del (p.Lys501_Leu502insTer)

Gene: BRCA1 (BRCA1 DNA repair associated; minus strand). Cytogenetic location: 17q21.31.
Variant type: Deletion.
Coding change: c.1505del on transcript NM_007294.4 (MANE Select); coding-DNA position 1505, one base deleted (T; older notation c.1505delT).
Protein change: p.Lys501_Leu502insTer.
Molecular consequence: nonsense. On other transcripts: frameshift variant (1), intron variant (137).
Genome position (GRCh38, 1-based): chr17:43,094,026, A deleted on the plus strand (T on the coding strand, the reverse complement: BRCA1 is on the minus strand); the first of 2 consecutive A bases (chr17:43,094,026-43,094,027); deleting either gives the same sequence. VCF-style (leftmost placement, unchanged base first): chr17-43094025-TA-T. GRCh37 (hg19) VCF-style: chr17-41246042-TA-T.
Other names: 1624delT; c.1292del, p.Lys430_Leu431insTer (NM_001407571.1, NM_001407853.1, NM_001407894.1 and 9 more transcripts); c.1505del, p.Lys501_Leu502insTer (NM_001407581.1, NM_001407582.1, NM_001407583.1 and 30 more transcripts); c.1502del, p.Lys500_Leu501insTer (NM_001407587.1, NM_001407590.1, NM_001407591.1 and 22 more transcripts); c.1496del, p.Lys498_Leu499insTer (NM_001407646.1, NM_001407647.1); c.1382del, p.Lys460_Leu461insTer (NM_001407648.1, NM_001407664.1, NM_001407665.1 and 19 more transcripts); c.1379del, p.Lys459_Leu460insTer (NM_001407649.1, NM_001407670.1, NM_001407671.1 and 11 more transcripts); c.1427del, p.Lys475_Leu476insTer (NM_001407653.1, NM_001407654.1, NM_001407655.1 and 4 more transcripts); and 42 more.
Identifiers: ClinVar variation 266171 (VCV000266171.5), dbSNP rs886039956, ClinGen allele CA10589936.